The following is an entry in ClinVar:

ClinVar aggregate classification (germline): Likely benign (1 of 4 stars; one submission).

gnomAD v4.1: 10 of 1,613,742 alleles (0.00062%); highest among the groups gnomAD compares: Admixed American, 0.0067%; no homozygotes.

Submissions (2):

CeGaT Center for Human Genetics Tuebingen
Classification: Likely benign. Last evaluated: 2026-04-01. Review status: criteria provided, single submitter. Criteria: CeGaT Center For Human Genetics Tuebingen Variant Classification Criteria Version 2. Collection method: clinical testing. Allele origin: germline. Affected: yes. Observed: 1 variant allele.
Comment: SRRM2: BP4, BP7

Dr. Peter K. Rogan Lab, Western University
No classification provided (evidence only). Condition: Gastric cancer. Review status: no classification provided. Collection method: in vitro. Allele origin: not applicable. Functional consequence: retained intron. Not counted in ClinVar's aggregate classification.

NM_016333.4(SRRM2):c.357G>A (p.Thr119=)

Genes: SRRM2 (serine/arginine repetitive matrix 2; plus strand), LOC126862261 (BRD4-independent group 4 enhancer GRCh37_chr16:2807529-2808728; plus strand). Cytogenetic location: 16p13.3.
Variant type: single nucleotide variant.
Coding change: c.357G>A on transcript NM_016333.4 (MANE Select); coding-DNA position 357, G replaced by A.
Protein change: p.Thr119=; no amino-acid change (threonine 119 retained).
Molecular consequence: synonymous variant.
Genome position (GRCh38, 1-based): chr16:2,757,787, G>A. VCF-style: chr16-2757787-G-A. GRCh37 (hg19) VCF-style: chr16-2807788-G-A.
Other names: NC_000016.9:g.2807788G>A.
Identifiers: ClinVar variation 4410154 (VCV004410154.3).